The following is an entry in ClinVar:

NM_001378964.1(CDON):c.3474del (p.Val1159fs)

Gene: CDON (cell adhesion associated, oncogene regulated; minus strand). Cytogenetic location: 11q24.2.
Variant type: Deletion.
Coding change: c.3474del on transcript NM_001378964.1 (MANE Select); coding-DNA position 3474, one base deleted (T; older notation c.3474delT).
Protein change: p.Val1159fs; shifts the reading frame from valine 1159.
Molecular consequence: frameshift variant.
Genome position (GRCh38, 1-based): chr11:125,961,881, A deleted on the plus strand (T on the coding strand, the reverse complement: CDON is on the minus strand). VCF-style (leftmost placement, unchanged base first): chr11-125961880-CA-C. GRCh37 (hg19) VCF-style: chr11-125831775-CA-C.
Other names: c.3474delT, p.Val1159Tyrfs (NM_001243597.3, NM_016952.4, NM_016952.6); short protein forms V1159fs.
Identifiers: ClinVar variation 1800901 (VCV001800901.1), dbSNP rs2496877453, ClinGen allele CA2580083818.

ClinVar aggregate classification (germline): Uncertain significance (1 of 4 stars; one submission).

Allele frequency attached by ClinVar (database versions not stated): gnomAD exomes below 0.00001.

Submission:

GeneDx
Classification: Uncertain significance. Last evaluated: 2022-05-27. Review status: criteria provided, single submitter. Criteria: GeneDx Variant Classification Process June 2021. Collection method: clinical testing. Allele origin: germline. Affected: yes.
Comment: Not observed at significant frequency in large population cohorts (gnomAD); Frameshift variant predicted to result in protein truncation or nonsense mediated decay in a gene or region of a gene for which loss of function is not a well-established mechanism of disease; Has not been previously published as pathogenic or benign to our knowledge